The following is an entry in ClinVar:

ClinVar aggregate classification (germline): Uncertain significance (1 of 4 stars; one submission).

Allele frequency attached by ClinVar (database versions not stated): gnomAD exomes below 0.00001; ExAC 0.00001; ESP Exome Variant Server 0.00008.
gnomAD v4.1: 3 of 1,608,396 alleles (0.00019%); highest among the groups gnomAD compares: African/African-American, 0.0027%; no homozygotes.

Submission:

GeneDx
Classification: Uncertain significance. Last evaluated: 2022-05-06. Review status: criteria provided, single submitter. Criteria: GeneDx Variant Classification Process June 2021. Collection method: clinical testing. Allele origin: germline. Affected: yes.
Comment: Not observed at significant frequency in large population cohorts (gnomAD); In silico analysis supports that this missense variant does not alter protein structure/function; Has not been previously published as pathogenic or benign to our knowledge

NM_001384732.1(CPLANE1):c.7507G>A (p.Asp2503Asn)

Gene: CPLANE1 (ciliogenesis and planar polarity effector complex subunit 1; minus strand). Cytogenetic location: 5p13.2.
Variant type: single nucleotide variant.
Coding change: c.7507G>A on transcript NM_001384732.1 (MANE Select); coding-DNA position 7507, G replaced by A.
Protein change: p.Asp2503Asn; replaces aspartic acid 2503 with asparagine.
Molecular consequence: missense variant.
Genome position (GRCh38, 1-based): chr5:37,165,565, C>T on the plus strand (G>A on the coding strand, the complement: CPLANE1 is on the minus strand). VCF-style: chr5-37165565-C-T. GRCh37 (hg19) VCF-style: chr5-37165667-C-T.
Other names: c.7507G>A, p.Asp2503Asn (NM_023073.4); short protein forms D2503N.
Identifiers: ClinVar variation 1723044 (VCV001723044.2), dbSNP rs377710348, ClinGen allele CA3238050.
Genomic context (GRCh38, chr5:37,165,565, plus strand): 5'-AACCAGGGAAGAATCTATAGCAGTTTTTCTATACCTTGGGTTTCTTAATGATTTCTGAAT[C>T]ATCATTATTAATTATGGAATTCTCTGGTCGAAAAGTCACATTTGGTTTTCTCCTCAGTTT-3'
Protein context (NP_001371661.1, residues 2493-2513): RPENSIINND[Asp2503Asn]SEIIKKPKEQ